The following is an entry in ClinVar:

ClinVar aggregate classification (germline): Uncertain significance (1 of 4 stars; one submission).

Allele frequency attached by ClinVar (database versions not stated): gnomAD exomes below 0.00001; TOPMed below 0.00001; gnomAD 0.00001; ExAC 0.00003; ESP Exome Variant Server 0.00008.

Submission:

Labcorp Genetics (formerly Invitae), Labcorp
Classification: Uncertain significance. Last evaluated: 2022-09-27. Review status: criteria provided, single submitter. Criteria: Invitae Variant Classification Sherloc (09022015). Collection method: clinical testing. Allele origin: germline.
Comment: This variant is present in population databases (rs368210777, gnomAD 0.01%). This sequence change replaces methionine, which is neutral and non-polar, with valine, which is neutral and non-polar, at codon 1581 of the SPEG protein (p.Met1581Val). This variant has not been reported in the literature in individuals affected with SPEG-related conditions. Algorithms developed to predict the effect of missense changes on protein structure and function are either unavailable or do not agree on the potential impact of this missense change (SIFT: "Deleterious"; PolyPhen-2: "Benign"; Align-GVGD: "Class C0"). In summary, the available evidence is currently insufficient to determine the role of this variant in disease. Therefore, it has been classified as a Variant of Uncertain Significance.

NM_005876.5(SPEG):c.4741A>G (p.Met1581Val)

Gene: SPEG (striated muscle enriched protein kinase; plus strand). Cytogenetic location: 2q35.
Variant type: single nucleotide variant.
Coding change: c.4741A>G on transcript NM_005876.5 (MANE Select); coding-DNA position 4741, A replaced by G.
Protein change: p.Met1581Val; replaces methionine 1581 with valine.
Molecular consequence: missense variant.
Genome position (GRCh38, 1-based): chr2:219,477,700, A>G. VCF-style: chr2-219477700-A-G. GRCh37 (hg19) VCF-style: chr2-220342422-A-G.
Other names: short protein forms M1581V.
Identifiers: ClinVar variation 2182207 (VCV002182207.3), dbSNP rs368210777, ClinGen allele CA2126615.